The following is an entry in ClinVar:

ClinVar aggregate classification (germline): Uncertain significance (1 of 4 stars; one submission).

Conditions:
Hereditary cancer-predisposing syndrome. Also called: Tumor predisposition; Neoplastic Syndromes, Hereditary; Hereditary neoplastic syndrome; Hereditary Cancer Syndrome. Identifiers: Orphanet 140162, MedGen C0027672, MeSH D009386, MONDO:0015356.

Submission:

Ambry Genetics
Classification: Uncertain significance for Hereditary cancer-predisposing syndrome. Last evaluated: 2025-08-27. Review status: criteria provided, single submitter. Criteria: Ambry Variant Classification Scheme 2023. Collection method: clinical testing. Allele origin: germline.
Comment: The p.E410D variant (also known as c.1230G>C), located in coding exon 13 of the MUTYH gene, results from a G to C substitution at nucleotide position 1230. The glutamic acid at codon 410 is replaced by aspartic acid, an amino acid with highly similar properties. This amino acid position is conserved. In addition, this alteration is predicted to be tolerated by in silico analysis. Based on the available evidence, the clinical significance of this variant remains unclear.

NM_001048174.2(MUTYH):c.1146G>C (p.Glu382Asp)

Gene: MUTYH (mutY DNA glycosylase; minus strand). Cytogenetic location: 1p34.1.
Variant type: single nucleotide variant.
Coding change: c.1146G>C on transcript NM_001048174.2 (MANE Select); coding-DNA position 1146, G replaced by C.
Protein change: p.Glu382Asp; replaces glutamic acid 382 with aspartic acid.
Molecular consequence: missense variant. On other transcripts: non-coding transcript variant (7).
Genome position (GRCh38, 1-based): chr1:45,331,513, C>G on the plus strand (G>C on the coding strand, the complement: MUTYH is on the minus strand). VCF-style: chr1-45331513-C-G. GRCh37 (hg19) VCF-style: chr1-45797185-C-G.
Other names: c.1146G>C, p.Glu382Asp (NM_001048171.2, NM_001048173.2, NM_001293195.2 and 6 more transcripts); c.1149G>C, p.Glu383Asp (NM_001048172.2, NM_001407071.1, NM_001407078.1 and 1 more transcripts); c.1230G>C, p.Glu410Asp (NM_001128425.2); c.1191G>C, p.Glu397Asp (NM_001293190.2); c.1179G>C, p.Glu393Asp (NM_001293191.2, NM_001407069.1, NM_001407077.1); c.870G>C, p.Glu290Asp (NM_001293192.2, NM_001293196.2, NM_001407091.1); c.801G>C, p.Glu267Asp (NM_001350650.2, NM_001350651.2, NM_001407082.1); c.1062G>C, p.Glu354Asp (NM_001407075.1); and 5 more; short protein forms E369D, E393D, E407D, E267D, E368D, E397D, E290D, E354D.
Identifiers: ClinVar variation 4113107 (VCV004113107.1).